The following is an entry in ClinVar:

NM_014974.3(DIP2C):c.871G>C (p.Asp291His)

Gene: DIP2C (disco interacting protein 2 homolog C; minus strand). Cytogenetic location: 10p15.3.
Variant type: single nucleotide variant.
Coding change: c.871G>C on transcript NM_014974.3 (MANE Select); coding-DNA position 871, G replaced by C.
Protein change: p.Asp291His; replaces aspartic acid 291 with histidine.
Molecular consequence: missense variant.
Genome position (GRCh38, 1-based): chr10:414,099, C>G on the plus strand (G>C on the coding strand, the complement: DIP2C is on the minus strand). VCF-style: chr10-414099-C-G. GRCh37 (hg19) VCF-style: chr10-460039-C-G.
Other names: short protein forms D291H.
Identifiers: ClinVar variation 4281765 (VCV004281765.1).

ClinVar aggregate classification (germline): Uncertain significance (1 of 4 stars; one submission).

Submission:

GeneDx
Classification: Uncertain significance. Last evaluated: 2025-04-07. Review status: criteria provided, single submitter. Criteria: GeneDx Variant Classification Process June 2021. Collection method: clinical testing. Allele origin: germline. Affected: yes.
Comment: Not observed at significant frequency in large population cohorts (gnomAD); In silico analysis supports that this missense variant has a deleterious effect on protein structure/function; Has not been previously published as pathogenic or benign to our knowledge